The following is an entry in ClinVar:

NM_000748.3(CHRNB2):c.1190A>G (p.Gln397Arg)

Gene: CHRNB2 (cholinergic receptor nicotinic beta 2 subunit; plus strand). Cytogenetic location: 1q21.3.
Variant type: single nucleotide variant.
Coding change: c.1190A>G on transcript NM_000748.3 (MANE Select); coding-DNA position 1190, A replaced by G.
Protein change: p.Gln397Arg; replaces glutamine 397 with arginine.
Molecular consequence: missense variant.
Genome position (GRCh38, 1-based): chr1:154,572,013, A>G. VCF-style: chr1-154572013-A-G. GRCh37 (hg19) VCF-style: chr1-154544489-A-G.
Other names: short protein forms Q397R.
Identifiers: ClinVar variation 998399 (VCV000998399.8), dbSNP rs200441832, ClinGen allele CA342631665.

ClinVar aggregate classification (germline): Uncertain significance (1 of 4 stars; one submission).

Conditions:
Familial sleep-related hypermotor epilepsy. Also called: Autosomal Dominant Sleep-Related Hypermotor (Hyperkinetic) Epilepsy. Identifiers: Orphanet 98784, MedGen C3696898, MONDO:0000030.

gnomAD v4.1: 1 of 1,534,166 alleles (0.000065%); highest among the groups gnomAD compares: Non-Finnish European, 0.000087%; no homozygotes.

Submission:

Labcorp Genetics (formerly Invitae), Labcorp
Classification: Uncertain significance. Last evaluated: 2026-01-13. Review status: criteria provided, single submitter. Criteria: Invitae Variant Classification Sherloc (09022015). Collection method: clinical testing. Allele origin: germline.
Comment: This sequence change replaces glutamine, which is neutral and polar, with arginine, which is basic and polar, at codon 397 of the CHRNB2 protein (p.Gln397Arg). This variant is not present in population databases (gnomAD no frequency). This variant has not been reported in the literature in individuals affected with CHRNB2-related conditions. ClinVar contains an entry for this variant (Variation ID: 998399). Invitae Evidence Modeling of protein sequence and biophysical properties (such as structural, functional, and spatial information, amino acid conservation, physicochemical variation, residue mobility, and thermodynamic stability) indicates that this missense variant is not expected to disrupt CHRNB2 protein function with a negative predictive value of 95%. In summary, the available evidence is currently insufficient to determine the role of this variant in disease. Therefore, it has been classified as a Variant of Uncertain Significance.